The following is an entry in ClinVar:

ClinVar aggregate classification (germline): Likely benign (1 of 4 stars; one submission).

Conditions:
ATP7B-related disorder. Also called: ATP7B-related condition.

gnomAD v4.1: 7 of 1,597,586 alleles (0.00044%); highest among the groups gnomAD compares: African/African-American, 0.0067%; no homozygotes.

Submission:

PreventionGenetics, part of Exact Sciences
Classification: Likely benign for ATP7B-related condition. Last evaluated: 2026-05-06. Review status: criteria provided, single submitter. Criteria: ACMG Guidelines, 2015. Collection method: clinical testing. Allele origin: germline.
Comment: This variant is classified as likely benign based on ACMG/AMP sequence variant interpretation guidelines (Richards et al. 2015 PMID: 25741868, with internal and published modifications).

NM_000053.4(ATP7B):c.4022-21T>C

Gene: ATP7B (ATPase copper transporting beta; minus strand). Cytogenetic location: 13q14.3.
Variant type: single nucleotide variant.
Coding change: c.4022-21T>C on transcript NM_000053.4 (MANE Select); 21 bases into the intron before coding-DNA position 4022, T replaced by C.
Molecular consequence: intron variant.
Genome position (GRCh38, 1-based): chr13:51,935,716, A>G on the plus strand (T>C on the coding strand, the complement: ATP7B is on the minus strand). VCF-style: chr13-51935716-A-G. GRCh37 (hg19) VCF-style: chr13-52509852-A-G.
Other names: c.3536-21T>C (NM_001406541.1, NM_001406542.1); c.3770-21T>C (NM_001406531.1, NM_001406532.1, NM_001330579.2); c.3788-21T>C (NM_001406527.1, NM_001406528.1, NM_001330578.2); c.3683-21T>C (NM_001406537.1); c.3878-21T>C (NM_001406521.1, NM_001406522.1, NM_001406520.1); c.4016-21T>C (NM_001406513.1); c.4022-21T>C (NM_001406511.1, NM_001406512.1); c.3530-21T>C (NM_001406543.1); and 21 more.
Identifiers: ClinVar variation 4987172 (VCV004987172.1).
Genomic context (GRCh38, chr13:51,935,716, plus strand): 5'-ATCCAGGGCTGCAGCACAATGCCGATGGGCATGAAGACACCTGGGGAAGAAAGAACTCGC[A>G]CTCACACCTAGGTCTGGGGAGAGGAGCCAGGAGAGGGCTTCAGGCACCGGGCTGCCCCAC-3'